The following is an entry in ClinVar:

ClinVar aggregate classification (germline): Uncertain significance. Review status: criteria provided, multiple submitters, no conflicts (2 of 4 stars). 2 submissions from 2 submitters: Uncertain significance (2). Last evaluated 2025-10-01.

Conditions:
Inborn genetic diseases. Identifiers: MedGen C0950123, MeSH D030342.
Baller-Gerold syndrome (BGS). Also called: CRANIOSYNOSTOSIS WITH RADIAL DEFECTS. Identifiers: Orphanet 1225, MedGen C0265308, MONDO:0009039, OMIM 218600.

Allele frequency attached by ClinVar (database versions not stated): TOPMed below 0.00001.

Submissions (2):

Labcorp Genetics (formerly Invitae), Labcorp
Classification: Uncertain significance for Baller-Gerold syndrome. Last evaluated: 2025-10-01. Review status: criteria provided, single submitter. Criteria: Invitae Variant Classification Sherloc (09022015). Collection method: clinical testing. Allele origin: germline.
Comment: This sequence change replaces proline, which is neutral and non-polar, with leucine, which is neutral and non-polar, at codon 439 of the RECQL4 protein (p.Pro439Leu). This variant is not present in population databases (gnomAD no frequency). This variant has not been reported in the literature in individuals affected with RECQL4-related conditions. ClinVar contains an entry for this variant (Variation ID: 2039277). Invitae Evidence Modeling of protein sequence and biophysical properties (such as structural, functional, and spatial information, amino acid conservation, physicochemical variation, residue mobility, and thermodynamic stability) indicates that this missense variant is not expected to disrupt RECQL4 protein function with a negative predictive value of 80%. In summary, the available evidence is currently insufficient to determine the role of this variant in disease. Therefore, it has been classified as a Variant of Uncertain Significance.

Ambry Genetics
Classification: Uncertain significance for Inborn genetic diseases. Last evaluated: 2025-01-10. Review status: criteria provided, single submitter. Criteria: Ambry Variant Classification Scheme 2023. Collection method: clinical testing. Allele origin: germline.
Comment: The p.P439L variant (also known as c.1316C>T), located in coding exon 7 of the RECQL4 gene, results from a C to T substitution at nucleotide position 1316. The proline at codon 439 is replaced by leucine, an amino acid with similar properties. This amino acid position is conserved. In addition, this alteration is predicted to be tolerated by in silico analysis. Based on the available evidence, the clinical significance of this variant remains unclear.

NM_004260.4(RECQL4):c.1316C>T (p.Pro439Leu)

Gene: RECQL4 (RecQ like helicase 4; minus strand). Cytogenetic location: 8q24.3.
Variant type: single nucleotide variant.
Coding change: c.1316C>T on transcript NM_004260.4 (MANE Select); coding-DNA position 1316, C replaced by T.
Protein change: p.Pro439Leu; replaces proline 439 with leucine.
Molecular consequence: missense variant.
Genome position (GRCh38, 1-based): chr8:144,515,400, G>A on the plus strand (C>T on the coding strand, the complement: RECQL4 is on the minus strand). VCF-style: chr8-144515400-G-A. GRCh37 (hg19) VCF-style: chr8-145740784-G-A.
Other names: c.1220C>T, p.Pro407Leu (NM_001413017.1, NM_001413020.1); c.1316C>T, p.Pro439Leu (NM_001413018.1, NM_001413019.1, NM_001413033.1 and 2 more transcripts); c.245C>T, p.Pro82Leu (NM_001413021.1, NM_001413022.1, NM_001413023.1 and 8 more transcripts); c.1187C>T, p.Pro396Leu (NM_001413025.1); c.179C>T, p.Pro60Leu (NM_001413027.1, NM_001413030.1, NM_001413031.1 and 2 more transcripts); c.965C>T, p.Pro322Leu (NM_001413029.1); c.-152C>T (NM_001413043.1); c.1316C>T (NM_004260.3); short protein forms P407L, P396L, P60L, P82L, P439L, P322L.
Identifiers: ClinVar variation 2039277 (VCV002039277.5), dbSNP rs1586817456, ClinGen allele CA372685711.